The following is an entry in ClinVar:

NM_176806.4(MOCS2):c.76A>G (p.Ile26Val)

Gene: MOCS2 (molybdenum cofactor synthesis 2; minus strand). Cytogenetic location: 5q11.2.
Variant type: single nucleotide variant.
Coding change: c.76A>G on transcript NM_176806.4 (MANE Plus Clinical); coding-DNA position 76, A replaced by G.
Protein change: p.Ile26Val; replaces isoleucine 26 with valine.
Molecular consequence: missense variant. On other transcripts: 5 prime UTR variant (1).
Genome position (GRCh38, 1-based): chr5:53,108,586, T>C on the plus strand (A>G on the coding strand, the complement: MOCS2 is on the minus strand). VCF-style: chr5-53108586-T-C. GRCh37 (hg19) VCF-style: chr5-52404416-T-C.
Other names: c.-112A>G (NM_004531.5, NM_183418.1); short protein forms I26V.
Identifiers: ClinVar variation 2025944 (VCV002025944.4), dbSNP rs2478617340, ClinGen allele CA359694119.

ClinVar aggregate classification (germline): Uncertain significance (1 of 4 stars; one submission).

Submission:

Labcorp Genetics (formerly Invitae), Labcorp
Classification: Uncertain significance. Last evaluated: 2022-10-19. Review status: criteria provided, single submitter. Criteria: Invitae Variant Classification Sherloc (09022015). Collection method: clinical testing. Allele origin: germline.
Comment: This sequence change replaces isoleucine, which is neutral and non-polar, with valine, which is neutral and non-polar, at codon 26 of the MOCS2A protein (p.Ile26Val). This variant is not present in population databases (gnomAD no frequency). This variant has not been reported in the literature in individuals affected with MOCS2A-related conditions. Algorithms developed to predict the effect of missense changes on protein structure and function (SIFT, PolyPhen-2, Align-GVGD) all suggest that this variant is likely to be tolerated. In summary, the available evidence is currently insufficient to determine the role of this variant in disease. Therefore, it has been classified as a Variant of Uncertain Significance.